The following is an entry in ClinVar:

ClinVar aggregate classification (germline): Uncertain significance (1 of 4 stars; one submission).

Conditions:
CLIC5-related disorder. Also called: CLIC5-related condition.

gnomAD v4.1: 29 of 1,571,284 alleles (0.0018%); highest among the groups gnomAD compares: Admixed American, 0.024%; no homozygotes.

Submission:

PreventionGenetics, part of Exact Sciences
Classification: Uncertain significance for CLIC5-related condition. Last evaluated: 2025-12-15. Review status: criteria provided, single submitter. Criteria: ACMG Guidelines, 2015. Collection method: clinical testing. Allele origin: germline.
Comment: The CLIC5 c.37G>A variant is predicted to result in the amino acid substitution p.Asp13Asn. To our knowledge, this variant has not been reported in the literature. This variant is reported in 0.0071% of alleles in individuals of Latino descent in gnomAD. At this time, the clinical significance of this variant is uncertain due to the absence of conclusive functional and genetic evidence.

NM_016929.5(CLIC5):c.37G>A (p.Asp13Asn)

Gene: CLIC5 (CLIC family member 5; minus strand). Cytogenetic location: 6p21.1.
Variant type: single nucleotide variant.
Coding change: c.37G>A on transcript NM_016929.5 (MANE Select); coding-DNA position 37, G replaced by A.
Protein change: p.Asp13Asn; replaces aspartic acid 13 with asparagine.
Molecular consequence: missense variant. On other transcripts: intron variant (3).
Genome position (GRCh38, 1-based): chr6:46,015,506, C>T on the plus strand (G>A on the coding strand, the complement: CLIC5 is on the minus strand). VCF-style: chr6-46015506-C-T. GRCh37 (hg19) VCF-style: chr6-45983243-C-T.
Other names: c.37G>A, p.Asp13Asn (NM_001256023.2); c.-54-60262G>A (NM_001370649.1); c.541-60262G>A (NM_001370650.1, NM_001114086.2); short protein forms D13N.
Identifiers: ClinVar variation 4983360 (VCV004983360.1).